The following is an entry in ClinVar:

ClinVar aggregate classification (germline): Uncertain significance (1 of 4 stars; one submission).

Conditions:
Early-infantile DEE. Also called: Early infantile epileptic encephalopathy; Ohtahara syndrome; Early infantile epileptic encephalopathy with suppression bursts. Identifiers: Orphanet 1934, MedGen C0393706, MONDO:0800491.

Allele frequency attached by ClinVar (database versions not stated): gnomAD exomes below 0.00001; ExAC 0.00001; gnomAD 0.00001; TOPMed 0.00001.
gnomAD v4.1: 9 of 1,614,034 alleles (0.00056%); highest among the groups gnomAD compares: African/African-American, 0.0027%; no homozygotes.

Submission:

Labcorp Genetics (formerly Invitae), Labcorp
Classification: Uncertain significance for Early-infantile DEE. Last evaluated: 2024-02-16. Review status: criteria provided, single submitter. Criteria: Invitae Variant Classification Sherloc (09022015). Collection method: clinical testing. Allele origin: germline.
Comment: This sequence change replaces aspartic acid, which is acidic and polar, with asparagine, which is neutral and polar, at codon 223 of the ST3GAL3 protein (p.Asp223Asn). This variant is present in population databases (rs749286871, gnomAD 0.004%). This variant has not been reported in the literature in individuals affected with ST3GAL3-related conditions. ClinVar contains an entry for this variant (Variation ID: 2145712). Advanced modeling of protein sequence and biophysical properties (such as structural, functional, and spatial information, amino acid conservation, physicochemical variation, residue mobility, and thermodynamic stability) performed at Invitae indicates that this missense variant is not expected to disrupt ST3GAL3 protein function with a negative predictive value of 80%. In summary, the available evidence is currently insufficient to determine the role of this variant in disease. Therefore, it has been classified as a Variant of Uncertain Significance.

NM_006279.5(ST3GAL3):c.667G>A (p.Asp223Asn)

Gene: ST3GAL3 (ST3 beta-galactoside alpha-2,3-sialyltransferase 3; plus strand). Cytogenetic location: 1p34.1.
Variant type: single nucleotide variant.
Coding change: c.667G>A on transcript NM_006279.5 (MANE Select); coding-DNA position 667, G replaced by A.
Protein change: p.Asp223Asn; replaces aspartic acid 223 with asparagine.
Molecular consequence: missense variant. On other transcripts: non-coding transcript variant (5), intron variant (7).
Genome position (GRCh38, 1-based): chr1:43,899,650, G>A. VCF-style: chr1-43899650-G-A. GRCh37 (hg19) VCF-style: chr1-44365322-G-A.
Other names: c.667G>A, p.Asp223Asn (NM_001270459.2, NM_001350620.2, NM_174966.4); c.574G>A, p.Asp192Asn (NM_001270460.2); c.619G>A, p.Asp207Asn (NM_001270461.3, NM_001410781.1, NM_174969.4); c.526G>A, p.Asp176Asn (NM_001270462.3); c.712G>A, p.Asp238Asn (NM_001350619.2, NM_174964.4); c.388G>A, p.Asp130Asn (NM_001350621.2); c.829G>A, p.Asp277Asn (NM_001363573.2, NM_174968.5); c.874G>A, p.Asp292Asn (NM_174963.5); and 8 more; short protein forms D261N, D223N, D238N, D130N, D192N, D207N, D277N, D292N.
Identifiers: ClinVar variation 2145712 (VCV002145712.4), dbSNP rs749286871, ClinGen allele CA814774.